The following is an entry in ClinVar:

NM_000384.3(APOB):c.11257T>C (p.Phe3753Leu)

Gene: APOB (apolipoprotein B; minus strand). Cytogenetic location: 2p24.1.
Variant type: single nucleotide variant.
Coding change: c.11257T>C on transcript NM_000384.3 (MANE Select); coding-DNA position 11257, T replaced by C.
Protein change: p.Phe3753Leu; replaces phenylalanine 3753 with leucine.
Molecular consequence: missense variant.
Genome position (GRCh38, 1-based): chr2:21,005,611, A>G on the plus strand (T>C on the coding strand, the complement: APOB is on the minus strand). VCF-style: chr2-21005611-A-G. GRCh37 (hg19) VCF-style: chr2-21228483-A-G.
Other names: short protein forms F3753L.
Identifiers: ClinVar variation 334103 (VCV000334103.28), dbSNP rs61741974, ClinGen allele CA046001.

ClinVar aggregate classification (germline): Conflicting classifications of pathogenicity. Review status: criteria provided, conflicting classifications (1 of 4 stars). 10 submissions from 9 submitters: Uncertain significance (3); Benign (2); Likely benign (4). 1 of the submissions does not count toward it. Last evaluated 2025-12-26.

Conditions:
APOB-related disorder. Also called: APOB-related disorders; APOB-related condition.
Cardiovascular phenotype. Identifiers: MedGen CN230736.
Familial hypobetalipoproteinemia 1. Also called: APOB-Related Familial Hypobetalipoproteinemia; Hypobetalipoproteinemia, normotriglyceridemic; Acanthocytosis with hypobetalipoproteinemia. Identifiers: MedGen C4551990, MONDO:0014252, OMIM 615558.
Familial hypercholesterolemia. Also called: Familial hypercholesterolemias; Familial hypercholesterolaemia. Identifiers: MedGen C0020445, MONDO:0005439.
Hypercholesterolemia, autosomal dominant, type B (FHCL2). Also called: APOLIPOPROTEIN B-100, FAMILIAL LIGAND-DEFECTIVE; APOLIPOPROTEIN B-100, FAMILIAL DEFECTIVE; APOB-Related Familial Hypercholesterolemia, Autosomal Dominant; Familial Hypercholesterolemia Type B; Hyperlipoproteinemia Type IIb; Familial hypercholesterolemia 2. Identifiers: MedGen C1704417, MONDO:0007751, OMIM 144010.

Allele frequency attached by ClinVar (database versions not stated): gnomAD exomes 0.00018 and 0.00046; ExAC 0.00054; 1000 Genomes Project 30x 0.00094; 1000 Genomes Project 0.00120; gnomAD 0.00187 and 0.00213; TOPMed 0.00230; ESP Exome Variant Server 0.00261.
gnomAD v4.1: 548 of 1,614,054 alleles (0.034%); highest among the groups gnomAD compares: African/African-American, 0.69%; 1 homozygote.

Submissions (10):

Labcorp Genetics (formerly Invitae), Labcorp
Classification: Benign for Familial hypobetalipoproteinemia 1; Hypercholesterolemia, autosomal dominant, type B. Last evaluated: 2025-12-26. Review status: criteria provided, single submitter. Criteria: Invitae Variant Classification Sherloc (09022015). Collection method: clinical testing. Allele origin: germline.

Quest Diagnostics Nichols Institute San Juan Capistrano
Classification: Likely benign. Last evaluated: 2025-03-11. Review status: criteria provided, single submitter. Criteria: Quest Diagnostics criteria. Collection method: clinical testing. Allele origin: unknown.

PreventionGenetics, part of Exact Sciences
Classification: Likely benign for APOB-related condition. Last evaluated: 2025-03-07. Review status: criteria provided, single submitter. Criteria: ACMG Guidelines, 2015. Collection method: clinical testing. Allele origin: germline.
Comment: This variant is classified as likely benign based on ACMG/AMP sequence variant interpretation guidelines (Richards et al. 2015 PMID: 25741868, with internal and published modifications).

Blueprint Genetics
Classification: Uncertain significance. Last evaluated: 2024-10-22. Review status: criteria provided, single submitter. Criteria: ACMG Guidelines, 2015. Collection method: clinical testing. Allele origin: germline.

GENinCode PLC
Classification: Benign for Familial hypercholesterolemia. Last evaluated: 2023-01-03. Review status: criteria provided, single submitter. Criteria: ACMG Guidelines, 2015. Collection method: clinical testing. Allele origin: germline.

Ambry Genetics
Classification: Likely benign for Cardiovascular phenotype. Last evaluated: 2021-04-28. Review status: criteria provided, single submitter. Criteria: Ambry Variant Classification Scheme 2023. Collection method: clinical testing. Allele origin: germline.

Illumina Laboratory Services, Illumina
Classification: Likely benign for Hypercholesterolemia, autosomal dominant, type B. Last evaluated: 2018-01-13. Review status: criteria provided, single submitter. Criteria: ICSL Variant Classification Criteria 13 December 2019. Collection method: clinical testing. Allele origin: germline.
Comment: This variant was observed in the ICSL laboratory as part of a predisposition screen in an ostensibly healthy population. It had not been previously curated by ICSL or reported in the Human Gene Mutation Database (HGMD: prior to June 1st, 2018), and was therefore a candidate for classification through an automated scoring system. Utilizing variant allele frequency, disease prevalence and penetrance estimates, and inheritance mode, an automated score was calculated to assess if this variant is too frequent to cause the disease. Based on the score and internal cut-off values, a variant classified as likely benign is not then subjected to further curation. The score for this variant resulted in a classification of likely benign for this disease.

Illumina Laboratory Services, Illumina
Classification: Uncertain significance for Familial hypobetalipoproteinemia 1. Last evaluated: 2018-01-13. Review status: criteria provided, single submitter. Criteria: ICSL Variant Classification Criteria 13 December 2019. Collection method: clinical testing. Allele origin: germline.

GeneDx
Classification: Uncertain significance. Last evaluated: 2016-12-16. Review status: criteria provided, single submitter. Criteria: GeneDx Variant Classification (06012015). Collection method: clinical testing. Allele origin: germline. Affected: yes.
Comment: The F3753L variant in the APOB gene has not been reported previously as a pathogenic variant, nor as a benign variant, to our knowledge. Although not present in the homozygous state, the NHLBI ESP Exome Sequencing Project reports F3753L was observed with a frequency of 0.77% (34/4406 alleles) in individuals of African American background, indicating it may be a rare variant in this population. The F3753L variant is a conservative amino acid substitution, which is not likely to impact secondary protein structure as these residues share similar properties. This substitution occurs at a position that is not conserved, and in silico analysis is inconsistent in its predictions as to whether or not the variant is damaging to the protein structure/function. We interpret F3753L as a variant of uncertain significance.

Department of Pathology and Laboratory Medicine, Sinai Health System
Classification: Uncertain significance. Review status: no assertion criteria provided. Collection method: clinical testing. Allele origin: unknown. Affected: yes. Study: The Canadian Open Genetics Repository (COGR). Not counted in ClinVar's aggregate classification.
Comment: The APOB p.Phe3753Leu variant was not identified in the literature nor was it identified in Cosmic or LOVD 3.0. The variant was identified in dbSNP (ID: rs61741974) and in ClinVar (classified as benign by Invitae, likely benign by Color and as a VUS by Illumina and GeneDx). The variant was also identified in control databases in 181 of 282432 chromosomes at a frequency of 0.000641 increasing the likelihood this could be a low frequency benign variant (Genome Aggregation Database Feb 27, 2017). The variant was observed in the following populations: African in 171 of 24928 chromosomes (freq: 0.00686), Other in 2 of 7210 chromosomes (freq: 0.000277) and Latino in 8 of 35402 chromosomes (freq: 0.000226); it was not observed in the Ashkenazi Jewish, East Asian, European (Finnish), European (non-Finnish) or South Asian populations. The variant occurs outside of the splicing consensus sequence and in silico or computational prediction software programs (SpliceSiteFinder, MaxEntScan, NNSPLICE, GeneSplicer) do not predict a difference in splicing at the variant location. The p.Phe3753 residue is conserved in mammals and computational analyses (PolyPhen-2, SIFT, AlignGVGD, BLOSUM, MutationTaster) provide inconsistent predictions regarding the impact to the protein; this information is not very predictive of pathogenicity. In summary, based on the above information the clinical significance of this variant cannot be determined with certainty at this time. This variant is classified as a variant of uncertain significance.

Literature cited by the submitters: PubMed 28431867 (cited by Ambry Genetics).